The following is an entry in ClinVar:

ClinVar aggregate classification (germline): Uncertain significance (1 of 4 stars; one submission).

Conditions:
Spermatogenic failure 18. Identifiers: MedGen C4539783, MONDO:0054615, OMIM 617576.
Ciliary dyskinesia, primary, 37 (CILD37). Also called: CILIARY DYSKINESIA, PRIMARY, 37, WITH OR WITHOUT SITUS INVERSUS. Identifiers: MedGen C4539798, MONDO:0033204, OMIM 617577.

Allele frequency attached by ClinVar (database versions not stated): gnomAD 0.00001.
gnomAD v4.1: 21 of 1,612,550 alleles (0.0013%); highest among the groups gnomAD compares: Middle Eastern, 0.033%; no homozygotes.

Submission:

Labcorp Genetics (formerly Invitae), Labcorp
Classification: Uncertain significance for Ciliary dyskinesia, primary, 37; Spermatogenic failure 18. Last evaluated: 2023-11-20. Review status: criteria provided, single submitter. Criteria: Invitae Variant Classification Sherloc (09022015). Collection method: clinical testing. Allele origin: germline.
Comment: This sequence change replaces glycine, which is neutral and non-polar, with serine, which is neutral and polar, at codon 3087 of the DNAH1 protein (p.Gly3087Ser). This variant is present in population databases (rs575172462, gnomAD 0.006%). This variant has not been reported in the literature in individuals affected with DNAH1-related conditions. ClinVar contains an entry for this variant (Variation ID: 2163704). Advanced modeling of protein sequence and biophysical properties (such as structural, functional, and spatial information, amino acid conservation, physicochemical variation, residue mobility, and thermodynamic stability) performed at Invitae indicates that this missense variant is not expected to disrupt DNAH1 protein function with a negative predictive value of 80%. In summary, the available evidence is currently insufficient to determine the role of this variant in disease. Therefore, it has been classified as a Variant of Uncertain Significance.

NM_015512.5(DNAH1):c.9259G>A (p.Gly3087Ser)

Gene: DNAH1 (dynein axonemal heavy chain 1; plus strand). Cytogenetic location: 3p21.1.
Variant type: single nucleotide variant.
Coding change: c.9259G>A on transcript NM_015512.5 (MANE Select); coding-DNA position 9259, G replaced by A.
Protein change: p.Gly3087Ser; replaces glycine 3087 with serine.
Molecular consequence: missense variant.
Genome position (GRCh38, 1-based): chr3:52,388,505, G>A. VCF-style: chr3-52388505-G-A. GRCh37 (hg19) VCF-style: chr3-52422521-G-A.
Other names: short protein forms G3087S.
Identifiers: ClinVar variation 2163704 (VCV002163704.2), dbSNP rs575172462, ClinGen allele CA2435424.